The following is an entry in ClinVar:

ClinVar aggregate classification (germline): Uncertain significance (1 of 4 stars; one submission).

Submission:

Labcorp Genetics (formerly Invitae), Labcorp
Classification: Uncertain significance. Last evaluated: 2025-03-10. Review status: criteria provided, single submitter. Criteria: Invitae Variant Classification Sherloc (09022015). Collection method: clinical testing. Allele origin: germline.
Comment: This sequence change replaces cysteine, which is neutral and slightly polar, with arginine, which is basic and polar, at codon 89 of the RP2 protein (p.Cys89Arg). This variant is not present in population databases (gnomAD no frequency). This variant has not been reported in the literature in individuals affected with RP2-related conditions. ClinVar contains an entry for this variant (Variation ID: 2120446). Invitae Evidence Modeling of protein sequence and biophysical properties (such as structural, functional, and spatial information, amino acid conservation, physicochemical variation, residue mobility, and thermodynamic stability) indicates that this missense variant is expected to disrupt RP2 protein function with a positive predictive value of 95%. In summary, the available evidence is currently insufficient to determine the role of this variant in disease. Therefore, it has been classified as a Variant of Uncertain Significance.

NM_006915.3(RP2):c.265T>C (p.Cys89Arg)

Gene: RP2 (RP2 activator of ARL3 GTPase; plus strand). Cytogenetic location: Xp11.3.
Variant type: single nucleotide variant.
Coding change: c.265T>C on transcript NM_006915.3 (MANE Select); coding-DNA position 265, T replaced by C.
Protein change: p.Cys89Arg; replaces cysteine 89 with arginine.
Molecular consequence: missense variant.
Genome position (GRCh38, 1-based): chrX:46,853,638, T>C. VCF-style: chrX-46853638-T-C. GRCh37 (hg19) VCF-style: chrX-46713073-T-C.
Other names: short protein forms C89R.
Identifiers: ClinVar variation 2120446 (VCV002120446.4), dbSNP rs2519914069, ClinGen allele CA413039151.